The following is an entry in ClinVar:

ClinVar aggregate classification (germline): Likely benign (1 of 4 stars; one submission).

Conditions:
BLTP1-related disorder. Also called: BLTP1-related condition.

Submission:

PreventionGenetics, part of Exact Sciences
Classification: Likely benign for BLTP1-related condition. Last evaluated: 2024-10-07. Review status: criteria provided, single submitter. Criteria: ACMG Guidelines, 2015. Collection method: clinical testing. Allele origin: germline.
Comment: This variant is classified as likely benign based on ACMG/AMP sequence variant interpretation guidelines (Richards et al. 2015 PMID: 25741868, with internal and published modifications).

NM_001384125.1(BLTP1):c.7494-10A>C

Gene: BLTP1 (bridge-like lipid transfer protein family member 1; plus strand). Cytogenetic location: 4q27.
Variant type: single nucleotide variant.
Coding change: c.7494-10A>C on transcript NM_001384125.1 (MANE Select); 10 bases into the intron before coding-DNA position 7494, A replaced by C.
Molecular consequence: intron variant.
Genome position (GRCh38, 1-based): chr4:122,271,008, A>C. VCF-style: chr4-122271008-A-C. GRCh37 (hg19) VCF-style: chr4-123192163-A-C.
Other names: c.7494-10A>C (NM_015312.4).
Identifiers: ClinVar variation 5001553 (VCV005001553.1).